The following is an entry in ClinVar:

NM_002878.4(RAD51D):c.290T>G (p.Leu97Arg)

Genes: RAD51D (RAD51 paralog D; minus strand), RAD51L3-RFFL (RAD51L3-RFFL readthrough; minus strand). Cytogenetic location: 17q12.
Variant type: single nucleotide variant.
Coding change: c.290T>G on transcript NM_002878.4 (MANE Select); coding-DNA position 290, T replaced by G.
Protein change: p.Leu97Arg; replaces leucine 97 with arginine.
Molecular consequence: missense variant. On other transcripts: non-coding transcript variant (2), intron variant (1).
Genome position (GRCh38, 1-based): chr17:35,107,421, A>C on the plus strand (T>G on the coding strand, the complement: RAD51D is on the minus strand). VCF-style: chr17-35107421-A-C. GRCh37 (hg19) VCF-style: chr17-33434440-A-C.
Other names: c.350T>G, p.Leu117Arg (NM_001142571.2); c.145-940T>G (NM_133629.3); short protein forms L97R, L117R.
Identifiers: ClinVar variation 3429741 (VCV003429741.1).
Genomic context (GRCh38, chr17:35,107,421, plus strand): 5'-TGTACCTGAGTTTTGCCGCTACCTGGGCCTCCTACAATTTCAGTCACTTCTCCAGTATAG[A>C]GACCAGCATCAAGCAGTTTATCAAGACTGATGGCAGAAGAGAAGAAAATCAACACAAGAG-3'
Protein context (NP_002869.3, residues 87-107): GSLDKLLDAG[Leu97Arg]YTGEVTEIVG

ClinVar aggregate classification (germline): Uncertain significance (1 of 4 stars; one submission).

Conditions:
Hereditary cancer-predisposing syndrome. Also called: Neoplastic Syndromes, Hereditary; Tumor predisposition; Hereditary Cancer Syndrome; Hereditary neoplastic syndrome. Identifiers: Orphanet 140162, MedGen C0027672, MeSH D009386, MONDO:0015356.

Submission:

Ambry Genetics
Classification: Uncertain significance for Hereditary cancer-predisposing syndrome. Last evaluated: 2024-07-05. Review status: criteria provided, single submitter. Criteria: Ambry Variant Classification Scheme 2023. Collection method: clinical testing. Allele origin: germline.
Comment: The p.L97R variant (also known as c.290T>G), located in coding exon 4 of the RAD51D gene, results from a T to G substitution at nucleotide position 290. The leucine at codon 97 is replaced by arginine, an amino acid with dissimilar properties. This amino acid position is conserved. In addition, this alteration is predicted to be deleterious by in silico analysis. Based on the available evidence, the clinical significance of this variant remains unclear.